The following is an entry in ClinVar:

ClinVar aggregate classification (germline): Benign. Review status: reviewed by expert panel (3 of 4 stars). 12 submissions from 11 submitters: Benign (1). 11 of the submissions do not count toward it. Last evaluated 2017-04-18.

Conditions:
RAF1-related disorder. Also called: RAF1-related condition; RAF1-related disorders.
Noonan syndrome and Noonan-related syndrome. Identifiers: Orphanet 98733, MedGen C5681679, MONDO:0020297.
Cardiovascular phenotype. Identifiers: MedGen CN230736.
RASopathy. Also called: rasopathies; Noonan spectrum disorder. Identifiers: Orphanet 536391, MedGen C5555857, MONDO:0021060.
Noonan syndrome 5 (NS5). Also called: RAF1-Related Noonan Syndrome. Identifiers: Orphanet 648, MedGen C1969057, MONDO:0012690, OMIM 611553. Disease mechanism: gain of function.
LEOPARD syndrome 2 (LPRD2). Also called: RAF1-Related LEOPARD Syndrome. Identifiers: Orphanet 500, MedGen C1969056, MONDO:0012691, OMIM 611554.

Allele frequency attached by ClinVar (database versions not stated): TOPMed 0.00007; 1000 Genomes Project 30x 0.00078; 1000 Genomes Project 0.00100.
gnomAD v4.1: 620 of 1,614,158 alleles (0.038%); highest among the groups gnomAD compares: East Asian, 1.3%; 12 homozygotes.

Submissions (12):

ClinGen RASopathy Variant Curation Expert Panel
Classification: Benign for Noonan syndrome and Noonan-related syndrome. Last evaluated: 2017-04-18. Review status: reviewed by expert panel. Criteria: ClinGen RASopathy ACMG Specifications v1. Collection method: curation. Allele origin: germline. Inheritance: Autosomal dominant inheritance.
Comment: The filtering allele frequency of the c.1629G>C (p.Thr543=) variant in the RAF1 gene is 0.054% (9/8654) of East Asian chromosomes by the Exome Aggregation Consortium, which is a high enough frequency to be classified as benign based on thresholds defined by the ClinGen RASopathy Expert Panel (BA1; PMID:29493581)

Labcorp Genetics (formerly Invitae), Labcorp
Classification: Likely benign for RASopathy. Last evaluated: 2026-01-13. Review status: criteria provided, single submitter. Criteria: Invitae Variant Classification Sherloc (09022015). Collection method: clinical testing. Allele origin: germline. Not counted in ClinVar's aggregate classification.

Blueprint Genetics
Classification: Likely benign. Last evaluated: 2024-11-22. Review status: criteria provided, single submitter. Criteria: ACMG Guidelines, 2015. Collection method: clinical testing. Allele origin: germline. Not counted in ClinVar's aggregate classification.

ARUP Laboratories, Molecular Genetics and Genomics, ARUP Laboratories
Classification: Benign. Last evaluated: 2023-04-03. Review status: criteria provided, single submitter. Criteria: ARUP Molecular Germline Variant Investigation Process 2024. Collection method: clinical testing. Allele origin: germline. Not counted in ClinVar's aggregate classification.

Genome Diagnostics Laboratory, The Hospital for Sick Children
Classification: Likely benign for Noonan syndrome and Noonan-related syndrome. Last evaluated: 2020-01-01. Review status: criteria provided, single submitter. Criteria: ACMG Guidelines, 2015. Collection method: clinical testing. Allele origin: germline. Not counted in ClinVar's aggregate classification.

Ambry Genetics
Classification: Benign for Cardiovascular phenotype. Last evaluated: 2019-10-21. Review status: criteria provided, single submitter. Criteria: Ambry Variant Classification Scheme 2023. Collection method: clinical testing. Allele origin: germline. Not counted in ClinVar's aggregate classification.

Illumina Laboratory Services, Illumina
Classification: Benign for LEOPARD syndrome 2. Last evaluated: 2017-04-27. Review status: criteria provided, single submitter. Criteria: ICSL Variant Classification Criteria 13 December 2019. Collection method: clinical testing. Allele origin: germline. Not counted in ClinVar's aggregate classification.
Comment: This variant was observed as part of a predisposition screen in an ostensibly healthy population. A literature search was performed for the gene, cDNA change, and amino acid change (where applicable). No publications were found based on this search. Allele frequency data from public databases was too high to be consistent with this variant causing disease. Therefore, this variant is classified as benign.

Illumina Laboratory Services, Illumina
Classification: Likely benign for Noonan syndrome 5. Last evaluated: 2017-04-27. Review status: criteria provided, single submitter. Criteria: ICSL Variant Classification Criteria 13 December 2019. Collection method: clinical testing. Allele origin: germline. Not counted in ClinVar's aggregate classification.
Comment: This variant was observed as part of a predisposition screen in an ostensibly healthy population. A literature search was performed for the gene, cDNA change, and amino acid change (where applicable). No publications were found based on this search. Allele frequency data from public databases allowed determination this variant is unlikely to cause disease. Therefore, this variant is classified as likely benign.

Women's Health and Genetics/Laboratory Corporation of America, LabCorp
Classification: Benign. Last evaluated: 2016-06-27. Review status: criteria provided, single submitter. Criteria: LabCorp Variant Classification Summary - May 2015. Collection method: clinical testing. Allele origin: germline. Not counted in ClinVar's aggregate classification.
Comment: Variant summary: The RAF1 c.1629G>C (p.Thr543Thr) variant involves the alteration of a non-conserved nucleotide, resulting in a synonymous change. One in silico tool predicts a damaging outcome for this variant, but 5/5 splicing algorithms predict no significant change to splicing. This variant was found in 11/121396 control chromosomes, predominantly observed in the East Asian subpopulation at a frequency of 0.00104 (9/8654). This subpopulation frequency is about 42 times the estimated maximal expected allele frequency of a pathogenic RAF1 variant (0.000025), suggesting this is likely a benign polymorphism found primarily in the populations of East Asian origin. Additionally, one clinical diagnostic laboratory classified this variant as a VUS without providing evidence to independently evaluate. Taken together, this variant is classified as Benign based on the nature of the variant and the high allele frequency in the East Asian ExAC subpopulation.

GeneDx
Classification: Benign. Last evaluated: 2015-03-03. Review status: criteria provided, single submitter. Criteria: GeneDx Variant Classification Process June 2021. Collection method: clinical testing. Allele origin: germline. Affected: yes. Not counted in ClinVar's aggregate classification.

PreventionGenetics, part of Exact Sciences
Classification: Likely benign for RAF1-related condition. Last evaluated: 2019-04-02. Review status: no assertion criteria provided. Collection method: clinical testing. Allele origin: germline. Not counted in ClinVar's aggregate classification.
Comment: This variant is classified as likely benign based on ACMG/AMP sequence variant interpretation guidelines (Richards et al. 2015 PMID: 25741868, with internal and published modifications).

Greenwood Genetic Center Diagnostic Laboratories, Greenwood Genetic Center
Classification: Uncertain significance. Last evaluated: 2015-01-15. Review status: no assertion criteria provided. Collection method: clinical testing. Allele origin: germline. Not counted in ClinVar's aggregate classification.

Literature cited by the submitters: PubMed 18553519 (cited by Ambry Genetics and Women's Health and Genetics/Laboratory Corporation of America, LabCorp); PubMed 24777450 (cited by Ambry Genetics).

NM_002880.4(RAF1):c.1629G>C (p.Thr543=)

Gene: RAF1 (Raf-1 proto-oncogene, serine/threonine kinase; minus strand). Cytogenetic location: 3p25.2.
Variant type: single nucleotide variant.
Coding change: c.1629G>C on transcript NM_002880.4 (MANE Select); coding-DNA position 1629, G replaced by C.
Protein change: p.Thr543=; no amino-acid change (threonine 543 retained).
Molecular consequence: synonymous variant. On other transcripts: non-coding transcript variant (3).
Genome position (GRCh38, 1-based): chr3:12,585,161, C>G on the plus strand (G>C on the coding strand, the complement: RAF1 is on the minus strand). VCF-style: chr3-12585161-C-G. GRCh37 (hg19) VCF-style: chr3-12626660-C-G.
Other names: p.T543T; NM_002880.3(RAF1):c.1629G>C; c.1689G>C, p.Thr563= (NM_001354689.3); c.1629G>C, p.Thr543= (NM_001354690.3); c.1386G>C, p.Thr462= (NM_001354691.3, NM_001354692.3); c.1530G>C, p.Thr510= (NM_001354693.3); c.1446G>C, p.Thr482= (NM_001354694.3); c.1287G>C, p.Thr429= (NM_001354695.3).
Identifiers: ClinVar variation 40621 (VCV000040621.27), dbSNP rs5746244, ClinGen allele CA235376.